The following is an entry in ClinVar:

ClinVar aggregate classification (germline): Benign. Review status: criteria provided, multiple submitters, no conflicts (2 of 4 stars). 3 submissions from 3 submitters: Benign (2). 1 of the submissions does not count toward it. Last evaluated 2026-01-26.

Conditions:
LRRK1-related disorder. Also called: LRRK1-related condition.

Allele frequency attached by ClinVar (database versions not stated): gnomAD 0.00060 and 0.00119; TOPMed 0.00066; gnomAD exomes 0.00094 and 0.00155; ExAC 0.00160; 1000 Genomes Project 30x 0.00796; 1000 Genomes Project 0.00899.

Submissions (3):

Labcorp Genetics (formerly Invitae), Labcorp
Classification: Benign. Last evaluated: 2026-01-26. Review status: criteria provided, single submitter. Criteria: Invitae Variant Classification Sherloc (09022015). Collection method: clinical testing. Allele origin: germline.

Breakthrough Genomics
Classification: Benign. Review status: criteria provided, single submitter. Criteria: ACMG Guidelines, 2015. Collection method: not provided. Allele origin: germline. Inheritance: Autosomal recessive inheritance. Affected: yes.

PreventionGenetics, part of Exact Sciences
Classification: Benign for LRRK1-related condition. Last evaluated: 2019-02-22. Review status: no assertion criteria provided. Collection method: clinical testing. Allele origin: germline. Not counted in ClinVar's aggregate classification.
Comment: This variant is classified as benign based on ACMG/AMP sequence variant interpretation guidelines (Richards et al. 2015 PMID: 25741868, with internal and published modifications).

NM_024652.6(LRRK1):c.5203A>G (p.Met1735Val)

Genes: LRRK1 (leucine rich repeat kinase 1; plus strand), LRRK1-AS1 (LRRK1 antisense RNA 1; minus strand). Cytogenetic location: 15q26.3.
Variant type: single nucleotide variant.
Coding change: c.5203A>G on transcript NM_024652.6 (MANE Select); coding-DNA position 5203, A replaced by G.
Protein change: p.Met1735Val; replaces methionine 1735 with valine.
Molecular consequence: missense variant.
Genome position (GRCh38, 1-based): chr15:101,065,640, A>G. VCF-style: chr15-101065640-A-G. GRCh37 (hg19) VCF-style: chr15-101605845-A-G.
Other names: c.5203A>G (NM_024652.5); short protein forms M1735V.
Identifiers: ClinVar variation 708181 (VCV000708181.13), dbSNP rs3829706, ClinGen allele CA7762089.
Genomic context (GRCh38, chr15:101,065,640, plus strand): 5'-GTCATCGACTGTGCCTCCCTGGAGATCTGCAGGCGGCTGGAGCCCTACATGGCCCCCTCC[A>G]TGGTTACGTCAGTCGTGTGCAGCTCTGAGGGCAGAGGGGAGGAGGTCGTCTGGTGCCTGG-3'
Protein context (NP_078928.3, residues 1725-1745): RRLEPYMAPS[Met1735Val]VTSVVCSSEG